The following is an entry in ClinVar:

NM_000238.4(KCNH2):c.1511C>A (p.Ala504Asp)

Gene: KCNH2 (potassium voltage-gated channel subfamily H member 2; minus strand). Cytogenetic location: 7q36.1.
Variant type: single nucleotide variant.
Coding change: c.1511C>A on transcript NM_000238.4 (MANE Select); coding-DNA position 1511, C replaced by A.
Protein change: p.Ala504Asp; replaces alanine 504 with aspartic acid.
Molecular consequence: missense variant.
Genome position (GRCh38, 1-based): chr7:150,952,471, G>T on the plus strand (C>A on the coding strand, the complement: KCNH2 is on the minus strand). VCF-style: chr7-150952471-G-T. GRCh37 (hg19) VCF-style: chr7-150649559-G-T.
Other names: c.491C>A, p.Ala164Asp (NM_001204798.2, NM_172057.3); c.1223C>A, p.Ala408Asp (NM_001406753.1, NM_001406756.1); c.1334C>A, p.Ala445Asp (NM_001406755.1); c.1211C>A, p.Ala404Asp (NM_001406757.1); c.1511C>A, p.Ala504Asp (NM_172056.3); short protein forms A164D, A504D, A408D, A445D, A404D.
Identifiers: ClinVar variation 1774212 (VCV001774212.2), dbSNP rs2486045932, ClinGen allele CA369859579.

ClinVar aggregate classification (germline): Uncertain significance (1 of 4 stars; one submission).

Conditions:
Cardiovascular phenotype. Identifiers: MedGen CN230736.

Submission:

Ambry Genetics
Classification: Uncertain significance for Cardiovascular phenotype. Last evaluated: 2020-05-28. Review status: criteria provided, single submitter. Criteria: Ambry Variant Classification Scheme 2023. Collection method: clinical testing. Allele origin: germline.
Comment: The p.A504D variant (also known as c.1511C>A), located in coding exon 6 of the KCNH2 gene, results from a C to A substitution at nucleotide position 1511. The alanine at codon 504 is replaced by aspartic acid, an amino acid with dissimilar properties. This amino acid position is highly conserved in available vertebrate species. In addition, this alteration is predicted to be deleterious by in silico analysis. Since supporting evidence is limited at this time, the clinical significance of this alteration remains unclear.